The following is an entry in ClinVar:

ClinVar aggregate classification (germline): Uncertain significance. Review status: criteria provided, multiple submitters, no conflicts (2 of 4 stars). 2 submissions from 2 submitters: Uncertain significance (2). Last evaluated 2024-05-20.

Conditions:
Cornelia de Lange syndrome 1 (CDLS1). Also called: TYPUS DEGENERATIVUS AMSTELODAMENSIS; Brachmann de Lange syndrome; NIPBL-Related Cornelia de Lange Syndrome. Identifiers: Orphanet 199, MedGen C4551851, MONDO:0007387, OMIM 122470.

Submissions (2):

Fulgent Genetics
Classification: Uncertain significance for Cornelia de Lange syndrome 1. Last evaluated: 2024-05-20. Review status: criteria provided, single submitter. Criteria: ACMG Guidelines, 2015. Collection method: clinical testing. Allele origin: germline.

Labcorp Genetics (formerly Invitae), Labcorp
Classification: Uncertain significance for Cornelia de Lange syndrome 1. Last evaluated: 2024-03-02. Review status: criteria provided, single submitter. Criteria: Invitae Variant Classification Sherloc (09022015). Collection method: clinical testing. Allele origin: germline.
Comment: This sequence change replaces serine, which is neutral and polar, with asparagine, which is neutral and polar, at codon 1367 of the NIPBL protein (p.Ser1367Asn). This variant is not present in population databases (gnomAD no frequency). This variant has not been reported in the literature in individuals affected with NIPBL-related conditions. Advanced modeling of protein sequence and biophysical properties (such as structural, functional, and spatial information, amino acid conservation, physicochemical variation, residue mobility, and thermodynamic stability) performed at Invitae indicates that this missense variant is not expected to disrupt NIPBL protein function with a negative predictive value of 95%. In summary, the available evidence is currently insufficient to determine the role of this variant in disease. Therefore, it has been classified as a Variant of Uncertain Significance.

NM_133433.4(NIPBL):c.4100G>A (p.Ser1367Asn)

Gene: NIPBL (NIPBL cohesin loading factor; plus strand). Cytogenetic location: 5p13.2.
Variant type: single nucleotide variant.
Coding change: c.4100G>A on transcript NM_133433.4 (MANE Select); coding-DNA position 4100, G replaced by A.
Protein change: p.Ser1367Asn; replaces serine 1367 with asparagine.
Molecular consequence: missense variant.
Genome position (GRCh38, 1-based): chr5:37,007,335, G>A. VCF-style: chr5-37007335-G-A. GRCh37 (hg19) VCF-style: chr5-37007437-G-A.
Other names: c.4100G>A, p.Ser1367Asn (NM_015384.5); short protein forms S1367N.
Identifiers: ClinVar variation 3592297 (VCV003592297.3).